The following is an entry in ClinVar:

ClinVar aggregate classification (germline): Pathogenic (1 of 4 stars; one submission).

Conditions:
Phenylketonuria (PKU). Also called: OLIGOPHRENIA PHENYLPYRUVICA; Phenylketonurias; Phenylketonuria (PKU); FOLLING DISEASE. Identifiers: Orphanet 716, MedGen C0031485, MONDO:0009861, OMIM 261600. Disease mechanism: loss of function.

Allele frequency attached by ClinVar (database versions not stated): gnomAD exomes below 0.00001.
gnomAD v4.1: 2 of 1,614,090 alleles (0.00012%); highest among the groups gnomAD compares: Non-Finnish European, 0.00017%; no homozygotes.

Submission:

Labcorp Genetics (formerly Invitae), Labcorp
Classification: Pathogenic for Phenylketonuria. Last evaluated: 2023-09-01. Review status: criteria provided, single submitter. Criteria: Invitae Variant Classification Sherloc (09022015). Collection method: clinical testing. Allele origin: germline.
Comment: This variant disrupts the p.Gly103 amino acid residue in PAH. Other variant(s) that disrupt this residue have been determined to be pathogenic (PMID: 17502162, 24368688). This suggests that this residue is clinically significant, and that variants that disrupt this residue are likely to be disease-causing. Advanced modeling of protein sequence and biophysical properties (such as structural, functional, and spatial information, amino acid conservation, physicochemical variation, residue mobility, and thermodynamic stability) performed at Invitae indicates that this missense variant is not expected to disrupt PAH protein function. ClinVar contains an entry for this variant (Variation ID: 1453858). This missense change has been observed in individual(s) with hyperphenylalaninemia (PMID: 31355225). This variant is not present in population databases (gnomAD no frequency). This sequence change replaces glycine, which is neutral and non-polar, with aspartic acid, which is acidic and polar, at codon 103 of the PAH protein (p.Gly103Asp). For these reasons, this variant has been classified as Pathogenic.

Literature cited by the submitters: PubMed 17502162; PubMed 24368688; PubMed 31355225.

NM_000277.3(PAH):c.308G>A (p.Gly103Asp)

Gene: PAH (phenylalanine hydroxylase; minus strand). Cytogenetic location: 12q23.2.
Variant type: single nucleotide variant.
Coding change: c.308G>A on transcript NM_000277.3 (MANE Select); coding-DNA position 308, G replaced by A.
Protein change: p.Gly103Asp; replaces glycine 103 with aspartic acid.
Molecular consequence: missense variant.
Genome position (GRCh38, 1-based): chr12:102,894,779, C>T on the plus strand (G>A on the coding strand, the complement: PAH is on the minus strand). VCF-style: chr12-102894779-C-T. GRCh37 (hg19) VCF-style: chr12-103288557-C-T.
Other names: c.308G>A, p.Gly103Asp (NM_001354304.2); short protein forms G103D.
Identifiers: ClinVar variation 1453858 (VCV001453858.6), dbSNP rs2136701578, ClinGen allele CA16020764.
Genomic context (GRCh38, chr12:102,894,779, plus strand): 5'-TTCCTCTAATTCTTACCTGTGTCTTTCTTCTTATCTCGTGAAAGCTCATGGACAGTGGCA[C>T]CAATGTCATGCCTCAAGATCTTGATGATGTTTGTCAGAGCAGGCAGGCTACGTTTATCCA-3'
Protein context (NP_000268.1, residues 93-113): NIIKILRHDI[Gly103Asp]ATVHELSRDK